The following is an entry in ClinVar:

ClinVar aggregate classification (germline): Likely benign (0 of 4 stars; one submission).

Conditions:
FGF3-related disorder. Also called: FGF3-related condition.

Allele frequency attached by ClinVar (database versions not stated): TOPMed 0.00003; gnomAD exomes 0.00005; gnomAD 0.00007.
gnomAD v4.1: 77 of 1,585,368 alleles (0.0049%); highest among the groups gnomAD compares: Non-Finnish European, 0.0065%; no homozygotes.

Submission:

PreventionGenetics, part of Exact Sciences
Classification: Likely benign for FGF3-related condition. Last evaluated: 2019-03-12. Review status: no assertion criteria provided. Collection method: clinical testing. Allele origin: germline.
Comment: This variant is classified as likely benign based on ACMG/AMP sequence variant interpretation guidelines (Richards et al. 2015 PMID: 25741868, with internal and published modifications).

NM_005247.4(FGF3):c.333C>T (p.Tyr111=)

Gene: FGF3 (fibroblast growth factor 3; minus strand). Cytogenetic location: 11q13.3.
Variant type: single nucleotide variant.
Coding change: c.333C>T on transcript NM_005247.4 (MANE Select); coding-DNA position 333, C replaced by T.
Protein change: p.Tyr111=; no amino-acid change (tyrosine 111 retained).
Molecular consequence: synonymous variant.
Genome position (GRCh38, 1-based): chr11:69,810,692, G>A on the plus strand (C>T on the coding strand, the complement: FGF3 is on the minus strand). VCF-style: chr11-69810692-G-A. GRCh37 (hg19) VCF-style: chr11-69625460-G-A.
Identifiers: ClinVar variation 3046749 (VCV003046749.2), dbSNP rs782520982, ClinGen allele CA223497355.
Genomic context (GRCh38, chr11:69,810,692, plus strand): 5'-GGAGGCATACGTATTATAGCCCAGCTCGTGGATCCGCTCCACAAACTCGCACTCGGCGCT[G>A]TAGTGCTCCTGCGGGGATGAGATATCATGGTCAGTGCCCCGGGGAGACTGTGGCAGCGTC-3'
Protein context (NP_005238.1, residues 101-121): KRGRLYASEH[Tyr111=]SAECEFVERI